The following is an entry in ClinVar:

NM_012188.5(FOXI1):c.307G>T (p.Gly103Trp)

Gene: FOXI1 (forkhead box I1; plus strand). Cytogenetic location: 5q35.1.
Variant type: single nucleotide variant.
Coding change: c.307G>T on transcript NM_012188.5 (MANE Select); coding-DNA position 307, G replaced by T.
Protein change: p.Gly103Trp; replaces glycine 103 with tryptophan.
Molecular consequence: missense variant.
Genome position (GRCh38, 1-based): chr5:170,106,264, G>T. VCF-style: chr5-170106264-G-T. GRCh37 (hg19) VCF-style: chr5-169533268-G-T.
Other names: c.307G>T, p.Gly103Trp (NM_144769.4); short protein forms G103W.
Identifiers: ClinVar variation 1064962 (VCV001064962.4), dbSNP rs1053809070, ClinGen allele CA362124445.
Genomic context (GRCh38, chr5:170,106,264, plus strand): 5'-CCCTTCCTGCCCCAGGCCTATGGAGTGCAGAGGCCGCTGCTGCCCAGCGTGTCGGGGCTT[G>T]GGGGGAGCGACCTGGGCTGGCTGCCCATCCCCTCGCAGGAGGAGCTGATGAAGCTGGTGC-3'
Protein context (NP_036320.2, residues 93-113): RPLLPSVSGL[Gly103Trp]GSDLGWLPIP

ClinVar aggregate classification (germline): Uncertain significance. Review status: criteria provided, multiple submitters, no conflicts (2 of 4 stars). 2 submissions from 2 submitters: Uncertain significance (2). Last evaluated 2021-07-29.

Conditions:
Pendred syndrome (PDS). Also called: Pendred's syndrome; Pendred Syndrome (PDS); DEAFNESS WITH GOITER; GOITER-DEAFNESS SYNDROME; HYPOTHYROIDISM, CONGENITAL, DUE TO DYSHORMONOGENESIS, 2B; THYROID DYSHORMONOGENESIS 2B. Identifiers: Orphanet 705, MedGen C0271829, MONDO:0010134, OMIM 274600.
Autosomal recessive nonsyndromic hearing loss 4 (DFNB4). Also called: FOXI1-Related Pendred Syndrome; KCNJ10-Related Pendred Syndrome; Nonsyndromic enlarged vestibular aqueduct (NSEVA); Deafness, autosomal recessive 4; Enlarged vestibular aqueduct, digenic; NEUROSENSORY NONSYNDROMIC RECESSIVE DEAFNESS 4. Identifiers: Orphanet 90636, MedGen C3538946, MONDO:0010933, OMIM 600791.
Hearing impairment. Also called: Impaired Hearing. Identifiers: MedGen C1384666, MONDO:0005365, HP:0000365.

Submissions (2):

Fulgent Genetics
Classification: Uncertain significance for Pendred syndrome; Autosomal recessive nonsyndromic hearing loss 4. Last evaluated: 2021-07-29. Review status: criteria provided, single submitter. Criteria: ACMG Guidelines, 2015. Collection method: clinical testing. Allele origin: unknown.

Department of Otolaryngology – Head & Neck Surgery, Cochlear Implant Center
Classification: Uncertain significance for Hearing impairment. Last evaluated: 2021-04-12. Review status: criteria provided, single submitter. Criteria: ClinGen HL ACMG Specifications v1. Collection method: clinical testing. Allele origin: germline. Affected: yes.
Comment: PM2_Moderate, PP3_Supporting